The following is an entry in ClinVar:

ClinVar aggregate classification (germline): Uncertain significance (1 of 4 stars; one submission).

Conditions:
Glycogen storage disease, type II (IOPD). Also called: Pompe Disease; CARDIOMEGALIA GLYCOGENICA DIFFUSA; GLYCOGENOSIS, GENERALIZED, CARDIAC FORM; GSD II; POMPE DISEASE, INFANTILE-ONSET; GLYCOGEN STORAGE DISEASE II, INFANTILE-ONSET. Identifiers: Orphanet 365, MedGen C0017921, MONDO:0009290, OMIM 232300.

Submission:

Genomenon, Inc
Classification: Uncertain significance for Glycogen storage disease, type II. Last evaluated: 2026-07-01. Review status: criteria provided, single submitter. Criteria: Genomenon Sequence Variant Interpretation Standards - Updated. Collection method: curation. Allele origin: germline. Affected: no.
Comment: GAA p.Tyr609Asp (c.1825T>G) is a missense variant that changes the amino acid at codon 609 from Tyrosine to Aspartic acid. This variant has been reported in the published literature (PMID:31342611;33560568;30155607). It is absent or not present at a significant frequency in gnomAD. In silico models predict that this variant is possibly or probably damaging. In conclusion, we classify GAA p.Tyr609Asp (c.1825T>G) as a variant of uncertain significance.

Literature cited by the submitters: PubMed 31342611; PubMed 33560568; PubMed 30155607.

NM_000152.5(GAA):c.1825T>G (p.Tyr609Asp)

Gene: GAA (alpha glucosidase; plus strand). Cytogenetic location: 17q25.3.
Variant type: single nucleotide variant.
Coding change: c.1825T>G on transcript NM_000152.5 (MANE Select); coding-DNA position 1825, T replaced by G.
Protein change: p.Tyr609Asp; replaces tyrosine 609 with aspartic acid.
Molecular consequence: missense variant.
Genome position (GRCh38, 1-based): chr17:80,112,648, T>G. VCF-style: chr17-80112648-T-G. GRCh37 (hg19) VCF-style: chr17-78086447-T-G.
Other names: c.1825T>G, p.Tyr609Asp (NM_001406741.1, NM_001406742.1, NM_001079803.3 and 1 more transcripts); short protein forms Y609D.
Identifiers: ClinVar variation 4876341 (VCV004876341.1).